The following is an entry in ClinVar:

ClinVar aggregate classification (germline): Uncertain significance. Review status: criteria provided, multiple submitters, no conflicts (2 of 4 stars). 2 submissions from 2 submitters: Uncertain significance (2). Last evaluated 2026-10-01.

Conditions:
Ataxia-pancytopenia syndrome (ATXPC). Also called: SAMD9L-Related Syndrome; SAMD9L Ataxia-Pancytopenia Syndrome. Identifiers: Orphanet 2585, MedGen C1327919, MONDO:0008038, OMIM 159550.

Submissions (2):

St. Jude Molecular Pathology, St. Jude Children's Research Hospital
Classification: Uncertain significance for Ataxia-pancytopenia syndrome. Last evaluated: 2026-10-01. Review status: criteria provided, single submitter. Criteria: St. Jude Assertion Criteria 2020. Collection method: clinical testing. Allele origin: germline.
Comment: The SAMD9L c.766A>C p.(Ser256Arg) missense change is absent in gnomAD v2.1.1. The in silico tool REVEL predicts a benign effect on protein function, but to our knowledge this prediction has not been confirmed by functional studies. In silico predictions have not been found to correlate with syndromic risk and are not considered supporting evidence of a pathogenic or benign effect (PMID: 34621053). To our knowledge, this variant has not been reported in individuals with ataxia-pancytopenia syndrome or monosomy 7 myelodysplasia and leukemia syndrome. In summary, the evidence currently available is insufficient to determine the clinical significance of this variant. It has therefore been classified as of uncertain significance.

Labcorp Genetics (formerly Invitae), Labcorp
Classification: Uncertain significance. Last evaluated: 2023-12-30. Review status: criteria provided, single submitter. Criteria: Invitae Variant Classification Sherloc (09022015). Collection method: clinical testing. Allele origin: germline.
Comment: This sequence change replaces serine, which is neutral and polar, with arginine, which is basic and polar, at codon 256 of the SAMD9L protein (p.Ser256Arg). This variant is not present in population databases (gnomAD no frequency). This variant has not been reported in the literature in individuals affected with SAMD9L-related conditions. Algorithms developed to predict the effect of missense changes on protein structure and function output the following: SIFT: "Not Available"; PolyPhen-2: "Benign"; Align-GVGD: "Not Available". The arginine amino acid residue is found in multiple mammalian species, which suggests that this missense change does not adversely affect protein function. In summary, the available evidence is currently insufficient to determine the role of this variant in disease. Therefore, it has been classified as a Variant of Uncertain Significance.

NM_152703.5(SAMD9L):c.766A>C (p.Ser256Arg)

Gene: SAMD9L (sterile alpha motif domain containing 9 like; minus strand). Cytogenetic location: 7q21.2.
Variant type: single nucleotide variant.
Coding change: c.766A>C on transcript NM_152703.5 (MANE Select); coding-DNA position 766, A replaced by C.
Protein change: p.Ser256Arg; replaces serine 256 with arginine.
Molecular consequence: missense variant.
Genome position (GRCh38, 1-based): chr7:93,135,206, T>G on the plus strand (A>C on the coding strand, the complement: SAMD9L is on the minus strand). VCF-style: chr7-93135206-T-G. GRCh37 (hg19) VCF-style: chr7-92764519-T-G.
Other names: c.766A>C, p.Ser256Arg (NM_001303496.3, NM_001303497.3, NM_001303498.3 and 5 more transcripts); short protein forms S256R.
Identifiers: ClinVar variation 2706682 (VCV002706682.4), dbSNP rs2535434301, ClinGen allele CA368201002.